The following is an entry in ClinVar:

NM_000222.3(KIT):c.2108A>T (p.Tyr703Phe)

Gene: KIT (KIT proto-oncogene, receptor tyrosine kinase; plus strand). Cytogenetic location: 4q12.
Variant type: single nucleotide variant.
Coding change: c.2108A>T on transcript NM_000222.3 (MANE Select); coding-DNA position 2108, A replaced by T.
Protein change: p.Tyr703Phe; replaces tyrosine 703 with phenylalanine.
Molecular consequence: missense variant.
Genome position (GRCh38, 1-based): chr4:54,729,452, A>T. VCF-style: chr4-54729452-A-T. GRCh37 (hg19) VCF-style: chr4-55595618-A-T.
Other names: c.2096A>T, p.Tyr699Phe (NM_001093772.2, NM_001385286.1); c.2111A>T, p.Tyr704Phe (NM_001385284.1, NM_001385290.1); c.2108A>T, p.Tyr703Phe (NM_001385285.1); c.2099A>T, p.Tyr700Phe (NM_001385288.1, NM_001385292.1); short protein forms Y703F, Y699F, Y700F, Y704F.
Identifiers: ClinVar variation 664773 (VCV000664773.9), dbSNP rs771012963, ClinGen allele CA96877071.

ClinVar aggregate classification (germline): Uncertain significance (1 of 4 stars; one submission).

Conditions:
Gastrointestinal stromal tumor. Also called: Gastrointestinal stromal tumor, somatic; Gastrointestinal stroma tumor. Identifiers: Orphanet 44890, MedGen C0238198, MeSH D046152, MONDO:0011719, OMIM 606764, HP:0100723.

Allele frequency attached by ClinVar (database versions not stated): TOPMed 0.00001.
gnomAD v4.1: 4 of 1,613,692 alleles (0.00025%); highest among the groups gnomAD compares: African/African-American, 0.004%; no homozygotes.

Submission:

Labcorp Genetics (formerly Invitae), Labcorp
Classification: Uncertain significance for Gastrointestinal stromal tumor. Last evaluated: 2025-06-13. Review status: criteria provided, single submitter. Criteria: Invitae Variant Classification Sherloc (09022015). Collection method: clinical testing. Allele origin: germline.
Comment: This sequence change replaces tyrosine, which is neutral and polar, with phenylalanine, which is neutral and non-polar, at codon 703 of the KIT protein (p.Tyr703Phe). This variant is not present in population databases (gnomAD no frequency). This variant has not been reported in the literature in individuals affected with KIT-related conditions. ClinVar contains an entry for this variant (Variation ID: 664773). An algorithm developed to predict the effect of missense changes on protein structure and function (PolyPhen-2) suggests that this variant is likely to be disruptive. Experimental studies are conflicting or provide insufficient evidence to determine the effect of this variant on KIT function (PMID: 17904548). In summary, the available evidence is currently insufficient to determine the role of this variant in disease. Therefore, it has been classified as a Variant of Uncertain Significance.

Literature cited by the submitters: PubMed 17904548.